The following is an entry in ClinVar:

NM_014112.5(TRPS1):c.2893C>T (p.Arg965Cys)

Gene: TRPS1 (transcriptional repressor GATA binding 1; minus strand). Cytogenetic location: 8q23.3.
Variant type: single nucleotide variant.
Coding change: c.2893C>T on transcript NM_014112.5 (MANE Select); coding-DNA position 2893, C replaced by T.
Protein change: p.Arg965Cys; replaces arginine 965 with cysteine.
Molecular consequence: missense variant.
Genome position (GRCh38, 1-based): chr8:115,415,015, G>A on the plus strand (C>T on the coding strand, the complement: TRPS1 is on the minus strand). VCF-style: chr8-115415015-G-A. GRCh37 (hg19) VCF-style: chr8-116427243-G-A.
Other names: c.2866C>T, p.Arg956Cys (NM_001282902.3); c.2872C>T, p.Arg958Cys (NM_001282903.3); c.2854C>T, p.Arg952Cys (NM_001330599.2); short protein forms R965C, R956C, R958C.
Identifiers: ClinVar variation 5579 (VCV000005579.12), dbSNP rs28939069, ClinGen allele CA117618.
Genomic context (GRCh38, chr8:115,415,015, plus strand): 5'-CATTGCTGCCCCTCTGCTGTTTGTTGAGCTGCTCAGCCTGAAGTGCCTCTGGGTTAAGGC[G>A]CTTTCTTGTTCTCCTCCTAATAATCTGCTCACCGTTGTTTTGTTTAATGATGTTTAAAGG-3'
Protein context (NP_054831.2, residues 955-975): EQIIRRRTRK[Arg965Cys]LNPEALQAEQ

ClinVar aggregate classification (germline): Pathogenic. Review status: criteria provided, single submitter (1 of 4 stars). 3 submissions from 3 submitters: Pathogenic (1). 2 of the submissions do not count toward it. Last evaluated 2025-12-06.

Conditions:
Trichorhinophalangeal dysplasia type I (TRPS1). Also called: TRPS I; TRICHORHINOPHALANGEAL SYNDROME, TYPE I. Identifiers: Orphanet 77258, MedGen C0432233, MONDO:0008596, OMIM 190350.
Trichorhinophalangeal syndrome, type III (TRPS3). Also called: SUGIO-KAJII SYNDROME. Identifiers: Orphanet 77258, MedGen C1860823, OMIM 190351, MONDO:0008597.

Submissions (3):

Labcorp Genetics (formerly Invitae), Labcorp
Classification: Pathogenic for Trichorhinophalangeal syndrome, type III; Trichorhinophalangeal dysplasia type I. Last evaluated: 2025-12-06. Review status: criteria provided, single submitter. Criteria: Invitae Variant Classification Sherloc (09022015). Collection method: clinical testing. Allele origin: germline.
Comment: This sequence change replaces arginine, which is basic and polar, with cysteine, which is neutral and slightly polar, at codon 965 of the TRPS1 protein (p.Arg965Cys). This variant is not present in population databases (gnomAD no frequency). This missense change has been observed in individuals with trichorhinophalangeal syndrome (PMID: 14560312, 17854380, 25792522, 28244134). It has also been observed to segregate with disease in related individuals. This variant is also known as c.2854C>T (p.Arg952Cys). ClinVar contains an entry for this variant (Variation ID: 5579). Invitae Evidence Modeling of protein sequence and biophysical properties (such as structural, functional, and spatial information, amino acid conservation, physicochemical variation, residue mobility, and thermodynamic stability) indicates that this missense variant is expected to disrupt TRPS1 protein function with a positive predictive value of 80%. Experimental studies have shown that this missense change affects TRPS1 function (PMID: 14560312). This variant disrupts the p.Arg965 amino acid residue in TRPS1. Other variant(s) that disrupt this residue have been determined to be pathogenic (PMID: 14560312). This suggests that this residue is clinically significant, and that variants that disrupt this residue are likely to be disease-causing. For these reasons, this variant has been classified as Pathogenic.

OMIM
Classification: Pathogenic for TRICHORHINOPHALANGEAL SYNDROME, TYPE I. Last evaluated: 2004-02-01. Review status: no assertion criteria provided. Collection method: literature only. Allele origin: germline. Not counted in ClinVar's aggregate classification.

GeneReviews
No classification provided. Condition: Trichorhinophalangeal dysplasia type I. Review status: no classification provided. Collection method: literature only. Allele origin: germline. Not counted in ClinVar's aggregate classification.

Literature cited by the submitters: PubMed 14560312 (cited by Labcorp Genetics (formerly Invitae), Labcorp and OMIM); PubMed 17854380 (cited by Labcorp Genetics (formerly Invitae), Labcorp); PubMed 25792522 (cited by Labcorp Genetics (formerly Invitae), Labcorp and GeneReviews); PubMed 28244134 (cited by Labcorp Genetics (formerly Invitae), Labcorp); NCBI Bookshelf NBK425926 (cited by GeneReviews).